The following is an entry in ClinVar:

NM_015559.3(SETBP1):c.4273A>T (p.Lys1425Ter)

Gene: SETBP1 (SET binding protein 1; plus strand). Cytogenetic location: 18q12.3.
Variant type: single nucleotide variant.
Coding change: c.4273A>T on transcript NM_015559.3 (MANE Select); coding-DNA position 4273, A replaced by T.
Protein change: p.Lys1425Ter; replaces lysine 1425 with a stop codon.
Molecular consequence: nonsense.
Genome position (GRCh38, 1-based): chr18:45,063,180, A>T. VCF-style: chr18-45063180-A-T. GRCh37 (hg19) VCF-style: chr18-42643145-A-T.
Other names: c.4273A>T, p.Lys1425Ter (NM_001379141.1, NM_001379142.1); short protein forms K1425*.
Identifiers: ClinVar variation 1333328 (VCV001333328.1), dbSNP rs2145592791, ClinGen allele CA402483032.

ClinVar aggregate classification (germline): Likely pathogenic (1 of 4 stars; one submission).

Conditions:
Intellectual developmental disorder, autosomal dominant 29. Also called: SETBP1 Haploinsufficiency Disorder; Intellectual disability, autosomal dominant 29. Identifiers: Orphanet 436151, MedGen C4015141, MONDO:0014482, OMIM 616078.

Submission:

3billion
Classification: Likely pathogenic for Intellectual developmental disorder, autosomal dominant 29. Last evaluated: 2022-01-03. Review status: criteria provided, single submitter. Criteria: ACMG Guidelines, 2015. Collection method: clinical testing. Allele origin: germline. Affected: yes. Observed: 1 heterozygote.
Comment: Stop-gained (nonsense): predicted to result in a loss or disruption of normal protein function through protein truncation. The predicted truncated protein may be shortened by more than 10% (PVS1_S). It is not observed in the gnomAD v2.1.1 dataset (PM2_M). Therefore, this variant is classified as likely pathogenic according to the recommendation of ACMG/AMP guideline.